The following is an entry in ClinVar:

NM_024649.5(BBS1):c.159+4A>G

Gene: BBS1 (Bardet-Biedl syndrome 1; plus strand). Cytogenetic location: 11q13.2.
Variant type: single nucleotide variant.
Coding change: c.159+4A>G on transcript NM_024649.5 (MANE Select); 4 bases into the intron after coding-DNA position 159, A replaced by G.
Molecular consequence: intron variant.
Genome position (GRCh38, 1-based): chr11:66,511,243, A>G. VCF-style: chr11-66511243-A-G. GRCh37 (hg19) VCF-style: chr11-66278714-A-G.
Identifiers: ClinVar variation 2006483 (VCV002006483.5), dbSNP rs2495729012, ClinGen allele CA2580084544.

ClinVar aggregate classification (germline): Uncertain significance. Review status: criteria provided, multiple submitters, no conflicts (2 of 4 stars). 2 submissions from 2 submitters: Uncertain significance (2). Last evaluated 2025-11-25.

Conditions:
Bardet-Biedl syndrome (BBS). Identifiers: Orphanet 110, MedGen C0752166, MONDO:0015229.

Submissions (2):

Women's Health and Genetics/Laboratory Corporation of America, LabCorp
Classification: Uncertain significance. Last evaluated: 2025-11-25. Review status: criteria provided, single submitter. Criteria: LabCorp Variant Classification Summary - May 2015. Collection method: clinical testing. Allele origin: germline.

Labcorp Genetics (formerly Invitae), Labcorp
Classification: Uncertain significance for Bardet-Biedl syndrome. Last evaluated: 2022-06-14. Review status: criteria provided, single submitter. Criteria: Invitae Variant Classification Sherloc (09022015). Collection method: clinical testing. Allele origin: germline.
Comment: In summary, the available evidence is currently insufficient to determine the role of this variant in disease. Therefore, it has been classified as a Variant of Uncertain Significance. Variants that disrupt the consensus splice site are a relatively common cause of aberrant splicing (PMID: 17576681, 9536098). Algorithms developed to predict the effect of sequence changes on RNA splicing suggest that this variant may disrupt the consensus splice site. This variant has not been reported in the literature in individuals affected with BBS1-related conditions. This variant is not present in population databases (gnomAD no frequency). This sequence change falls in intron 3 of the BBS1 gene. It does not directly change the encoded amino acid sequence of the BBS1 protein. It affects a nucleotide within the consensus splice site.

Literature cited by the submitters: PubMed 17576681 (cited by Labcorp Genetics (formerly Invitae), Labcorp); PubMed 9536098 (cited by Labcorp Genetics (formerly Invitae), Labcorp).